The following is an entry in ClinVar:

NM_004366.6(CLCN2):c.2075A>G (p.His692Arg)

Gene: CLCN2 (chloride voltage-gated channel 2; minus strand). Cytogenetic location: 3q27.1.
Variant type: single nucleotide variant.
Coding change: c.2075A>G on transcript NM_004366.6 (MANE Select); coding-DNA position 2075, A replaced by G.
Protein change: p.His692Arg; replaces histidine 692 with arginine.
Molecular consequence: missense variant.
Genome position (GRCh38, 1-based): chr3:184,353,101, T>C on the plus strand (A>G on the coding strand, the complement: CLCN2 is on the minus strand). VCF-style: chr3-184353101-T-C. GRCh37 (hg19) VCF-style: chr3-184070889-T-C.
Other names: c.2024A>G, p.His675Arg (NM_001171087.3); c.1943A>G, p.His648Arg (NM_001171088.3); c.2075A>G, p.His692Arg (NM_001171089.3); short protein forms H675R, H692R, H648R.
Identifiers: ClinVar variation 2049612 (VCV002049612.4), dbSNP rs903019480, ClinGen allele CA88892173.

ClinVar aggregate classification (germline): Uncertain significance (1 of 4 stars; one submission).

Allele frequency attached by ClinVar (database versions not stated): gnomAD 0.00001; gnomAD exomes 0.00002; TOPMed 0.00002.
gnomAD v4.1: 10 of 1,614,000 alleles (0.00062%); highest among the groups gnomAD compares: Admixed American, 0.015%; no homozygotes.

Submission:

Labcorp Genetics (formerly Invitae), Labcorp
Classification: Uncertain significance. Last evaluated: 2025-05-13. Review status: criteria provided, single submitter. Criteria: Invitae Variant Classification Sherloc (09022015). Collection method: clinical testing. Allele origin: germline.
Comment: This sequence change replaces histidine, which is basic and polar, with arginine, which is basic and polar, at codon 692 of the CLCN2 protein (p.His692Arg). This variant is present in population databases (no rsID available, gnomAD 0.02%). This variant has not been reported in the literature in individuals affected with CLCN2-related conditions. ClinVar contains an entry for this variant (Variation ID: 2049612). Invitae Evidence Modeling of protein sequence and biophysical properties (such as structural, functional, and spatial information, amino acid conservation, physicochemical variation, residue mobility, and thermodynamic stability) indicates that this missense variant is not expected to disrupt CLCN2 protein function with a negative predictive value of 80%. In summary, the available evidence is currently insufficient to determine the role of this variant in disease. Therefore, it has been classified as a Variant of Uncertain Significance.